The following is an entry in ClinVar:

NM_004960.3(FUS):c.521_523+3dupGAGGTG

Gene: FUS (FUS DNA/RNA binding protein; plus strand). Cytogenetic location: 16p11.2.
Variant type: Microsatellite.
Coding change: c.521_523+3dupGAGGTG on transcript NM_004960.3; coding-DNA position 521 through 3 bases into the intron after coding-DNA position 523, 6 bases duplicated (GAGGTG).
Genome position (GRCh38, 1-based): chr16:31,184,394-31,184,399, GAGGTG duplicated; duplicating any 6 consecutive bases within chr16:31,184,372-31,184,399 gives the same sequence; the c. name uses the placement nearest the transcript's 3' end. VCF-style (leftmost placement, unchanged base first): chr16-31184371-T-TGGTGGA. GRCh37 (hg19) VCF-style: chr16-31195692-T-TGGTGGA.
Other names: c.521_523+3dup (NM_004960.3).
Identifiers: ClinVar variation 766876 (VCV000766876.29), ClinGen allele CA8023635.

ClinVar aggregate classification (germline): Benign/Likely benign. Review status: criteria provided, multiple submitters, no conflicts (2 of 4 stars). 6 submissions from 6 submitters: Benign (1); Likely benign (4). 1 of the submissions does not count toward it. Last evaluated 2026-01-21.

Conditions:
Inborn genetic diseases. Identifiers: MedGen C0950123, MeSH D030342.
Amyotrophic lateral sclerosis type 6. Also called: FUS-Related Amyotrophic Laterial Sclerosis; AMYOTROPHIC LATERAL SCLEROSIS 6 WITHOUT FRONTOTEMPORAL DEMENTIA; Amyotrophic lateral sclerosis 6, with or without frontotemporal dementia. Identifiers: Orphanet 275872, Orphanet 803, MedGen C2931786, MONDO:0011951, OMIM 608030.
Tremor, hereditary essential, 4 (ETM4). Identifiers: MedGen C3539195, MONDO:0013888, OMIM 614782.
FUS-related disorder. Also called: FUS-related condition.

Submissions (6):

Labcorp Genetics (formerly Invitae), Labcorp
Classification: Likely benign for Tremor, hereditary essential, 4; Amyotrophic lateral sclerosis type 6. Last evaluated: 2026-01-21. Review status: criteria provided, single submitter. Criteria: Invitae Variant Classification Sherloc (09022015). Collection method: clinical testing. Allele origin: germline.

CeGaT Center for Human Genetics Tuebingen
Classification: Likely benign. Last evaluated: 2026-01-01. Review status: criteria provided, single submitter. Criteria: CeGaT Center For Human Genetics Tuebingen Variant Classification Criteria Version 2. Collection method: clinical testing. Allele origin: germline. Affected: yes. Observed: 2 variant alleles.
Comment: FUS: BP4, BS1

Mayo Clinic Laboratories, Mayo Clinic
Classification: Likely benign. Last evaluated: 2025-03-10. Review status: criteria provided, single submitter. Criteria: ACMG Guidelines, 2015. Collection method: clinical testing. Allele origin: germline. Observed: 1 variant allele.
Comment: BS1, BP4

Ambry Genetics
Classification: Likely benign for Inborn genetic diseases. Last evaluated: 2023-09-20. Review status: criteria provided, single submitter. Criteria: Ambry Variant Classification Scheme 2023. Collection method: clinical testing. Allele origin: germline.

GeneDx
Classification: Benign. Last evaluated: 2020-04-01. Review status: criteria provided, single submitter. Criteria: GeneDx Variant Classification Process June 2021. Collection method: clinical testing. Allele origin: germline. Affected: yes.
Comment: This variant is associated with the following publications: (PMID: 21943958, 20124201, 19251627)

PreventionGenetics, part of Exact Sciences
Classification: Likely benign for FUS-related condition. Last evaluated: 2022-10-19. Review status: no assertion criteria provided. Collection method: clinical testing. Allele origin: germline. Not counted in ClinVar's aggregate classification.
Comment: This variant is classified as likely benign based on ACMG/AMP sequence variant interpretation guidelines (Richards et al. 2015 PMID: 25741868, with internal and published modifications).

Literature cited by the submitters: PubMed 19251627 (cited by Mayo Clinic Laboratories, Mayo Clinic); PubMed 20124201 (cited by Mayo Clinic Laboratories, Mayo Clinic); PubMed 21943958 (cited by Mayo Clinic Laboratories, Mayo Clinic).